The following is an entry in ClinVar:

NM_001009944.3(PKD1):c.9694_9696del (p.Lys3232del)

Gene: PKD1 (polycystin 1, transient receptor potential channel interacting; minus strand). Cytogenetic location: 16p13.3.
Variant type: Deletion.
Coding change: c.9694_9696del on transcript NM_001009944.3 (MANE Select); coding-DNA positions 9694 to 9696, 3 bases deleted (AAG; older notation c.9694_9696delAAG).
Protein change: p.Lys3232del; deletes lysine 3232.
Molecular consequence: inframe deletion. On other transcripts: inframe indel (1).
Genome position (GRCh38, 1-based): chr16:2,100,182-2,100,184, CTT deleted on the plus strand (AAG on the coding strand, the reverse complement: PKD1 is on the minus strand); deleting any 3 consecutive bases within chr16:2,100,182-2,100,186 gives the same sequence; the c. name uses the placement nearest the transcript's 3' end. VCF-style (leftmost placement, unchanged base first): chr16-2100181-CCTT-C. GRCh37 (hg19) VCF-style: chr16-2150182-CCTT-C.
Other names: c.9694_9696del, p.Lys3232del (NM_000296.4); c.9692_9694delAGA, p.Lys3232del (NM_001009944.2); short protein forms K3232del.
Identifiers: ClinVar variation 4529952 (VCV004529952.1).
Genomic context (GRCh38, chr16:2,100,181, plus strand): 5'-CCTGCCCAACCTCCCACGGAGTGGGAACATGGAACGAGGCCTTACTCGCGGCCAGCACCT[CCTT>C]CTCCACCAGGCCCCCGTTGGCCTCCGTCTCCACCGAAAGCCAGTCATTGACCAGGAAGAA-3'

ClinVar aggregate classification (germline): Likely pathogenic (1 of 4 stars; one submission).

Submission:

GeneDx
Classification: Likely pathogenic. Last evaluated: 2025-05-14. Review status: criteria provided, single submitter. Criteria: GeneDx Variant Classification Process June 2021. Collection method: clinical testing. Allele origin: germline. Affected: yes.
Comment: In-frame deletion of 1 amino acid(s) in a non-repeat region; Not observed at significant frequency in large population cohorts (gnomAD); In silico analysis supports a deleterious effect on protein structure/function; This variant is associated with the following publications: (PMID: 17574468)